The following is an entry in ClinVar:

ClinVar aggregate classification (germline): Conflicting classifications of pathogenicity. Review status: criteria provided, conflicting classifications (1 of 4 stars). 3 submissions from 3 submitters: Uncertain significance (2); Likely benign (1). Last evaluated 2025-04-09.

Conditions:
Hereditary cancer-predisposing syndrome. Also called: Neoplastic Syndromes, Hereditary; Tumor predisposition; Hereditary neoplastic syndrome; Hereditary Cancer Syndrome. Identifiers: Orphanet 140162, MedGen C0027672, MeSH D009386, MONDO:0015356.
Hereditary breast ovarian cancer syndrome. Also called: Hereditary breast and ovarian cancer syndrome; Hereditary breast and ovarian cancer syndrome (HBOC); BRCA1- and BRCA2-Associated Hereditary Breast and Ovarian Cancer; Hereditary breast and/or ovarian cancer syndrome; Hereditary breast and ovarian cancer; Breast and ovarian cancer. Identifiers: Orphanet 145, MedGen C0677776, MeSH D061325, MONDO:0003582. Disease mechanism: loss of function.

gnomAD v4.1: 6 of 1,614,080 alleles (0.00037%); highest among the groups gnomAD compares: Middle Eastern, 0.016%; no homozygotes.

Submissions (3):

Ambry Genetics
Classification: Likely benign for Hereditary cancer-predisposing syndrome. Last evaluated: 2025-04-09. Review status: criteria provided, single submitter. Criteria: Ambry Variant Classification Scheme 2023. Collection method: clinical testing. Allele origin: germline.

Color Diagnostics, LLC DBA Color Health
Classification: Uncertain significance for Hereditary cancer-predisposing syndrome. Last evaluated: 2024-05-13. Review status: criteria provided, single submitter. Criteria: ACMG Guidelines, 2015. Collection method: clinical testing. Allele origin: germline.
Comment: This missense variant replaces alanine with serine at codon 2730 of the BRCA2 protein. Computational prediction is inconclusive regarding the impact of this variant on protein structure and function. To our knowledge, functional studies have not been reported for this variant. This variant has been reported in an individual affected with prostate cancer (PMID: 37415201). This variant has not been identified in the general population by the Genome Aggregation Database (gnomAD). A different variant occurring at the same codon, c.8188G>C (p.Ala2730Pro), is classified as likely pathogenic (ClinVar Variation ID: 126168), indicating that alanine at this position is important for BRCA2 protein function. The available evidence is insufficient to determine the role of this variant in disease conclusively. Therefore, this variant is classified as a Variant of Uncertain Significance.

Labcorp Genetics (formerly Invitae), Labcorp
Classification: Uncertain significance for Hereditary breast ovarian cancer syndrome. Last evaluated: 2024-04-24. Review status: criteria provided, single submitter. Criteria: Invitae Variant Classification Sherloc (09022015). Collection method: clinical testing. Allele origin: germline.
Comment: This sequence change replaces alanine, which is neutral and non-polar, with serine, which is neutral and polar, at codon 2730 of the BRCA2 protein (p.Ala2730Ser). This variant is not present in population databases (gnomAD no frequency). This variant has not been reported in the literature in individuals affected with BRCA2-related conditions. ClinVar contains an entry for this variant (Variation ID: 579237). Advanced modeling of protein sequence and biophysical properties (such as structural, functional, and spatial information, amino acid conservation, physicochemical variation, residue mobility, and thermodynamic stability) performed at Invitae indicates that this missense variant is not expected to disrupt BRCA2 protein function with a negative predictive value of 95%. In summary, the available evidence is currently insufficient to determine the role of this variant in disease. Therefore, it has been classified as a Variant of Uncertain Significance.

Literature cited by the submitters: PubMed 37415201 (cited by Color Diagnostics, LLC DBA Color Health).

NM_000059.4(BRCA2):c.8188G>T (p.Ala2730Ser)

Gene: BRCA2 (BRCA2 DNA repair associated; plus strand). Cytogenetic location: 13q13.1.
Variant type: single nucleotide variant.
Coding change: c.8188G>T on transcript NM_000059.4 (MANE Select); coding-DNA position 8188, G replaced by T.
Protein change: p.Ala2730Ser; replaces alanine 2730 with serine.
Molecular consequence: missense variant.
Genome position (GRCh38, 1-based): chr13:32,363,390, G>T. VCF-style: chr13-32363390-G-T. GRCh37 (hg19) VCF-style: chr13-32937527-G-T.
Other names: short protein forms A2730S.
Identifiers: ClinVar variation 579237 (VCV000579237.13), dbSNP rs80359066, ClinGen allele CA387749677.
Genomic context (GRCh38, chr13:32,363,390, plus strand): 5'-AGTGCAGATACCCAAAAAGTGGCCATTATTGAACTTACAGATGGGTGGTATGCTGTTAAG[G>T]CCCAGTTAGATCCTCCCCTCTTAGCTGTCTTAAAGAATGGCAGACTGACAGTTGGTCAGA-3'
Protein context (NP_000050.3, residues 2720-2740): ELTDGWYAVK[Ala2730Ser]QLDPPLLAVL